The following is an entry in ClinVar:

NM_001673.5(ASNS):c.346A>G (p.Met116Val)

Genes: ASNS (asparagine synthetase (glutamine-hydrolyzing); minus strand), CZ1P-ASNS (CZ1P-ASNS readthrough; minus strand). Cytogenetic location: 7q21.3.
Variant type: single nucleotide variant.
Coding change: c.346A>G on transcript NM_001673.5 (MANE Select); coding-DNA position 346, A replaced by G.
Protein change: p.Met116Val; replaces methionine 116 with valine.
Molecular consequence: missense variant. On other transcripts: non-coding transcript variant (1).
Genome position (GRCh38, 1-based): chr7:97,864,400, T>C on the plus strand (A>G on the coding strand, the complement: ASNS is on the minus strand). VCF-style: chr7-97864400-T-C. GRCh37 (hg19) VCF-style: chr7-97493712-T-C.
Other names: c.283A>G, p.Met95Val (NM_001178075.2); c.97A>G, p.Met33Val (NM_001178076.2, NM_001178077.1); c.346A>G, p.Met116Val (NM_001352496.2, NM_133436.3, NM_183356.4); short protein forms M116V, M33V, M95V.
Identifiers: ClinVar variation 2187965 (VCV002187965.1), dbSNP rs1791863382, ClinGen allele CA368271550.

ClinVar aggregate classification (germline): Uncertain significance (1 of 4 stars; one submission).

Allele frequency attached by ClinVar (database versions not stated): TOPMed below 0.00001.

Submission:

Labcorp Genetics (formerly Invitae), Labcorp
Classification: Uncertain significance. Last evaluated: 2022-07-15. Review status: criteria provided, single submitter. Criteria: Invitae Variant Classification Sherloc (09022015). Collection method: clinical testing. Allele origin: germline.
Comment: This sequence change replaces methionine, which is neutral and non-polar, with valine, which is neutral and non-polar, at codon 116 of the ASNS protein (p.Met116Val). This variant is not present in population databases (gnomAD no frequency). This variant has not been reported in the literature in individuals affected with ASNS-related conditions. Advanced modeling of protein sequence and biophysical properties (such as structural, functional, and spatial information, amino acid conservation, physicochemical variation, residue mobility, and thermodynamic stability) performed at Invitae indicates that this missense variant is not expected to disrupt ASNS protein function. In summary, the available evidence is currently insufficient to determine the role of this variant in disease. Therefore, it has been classified as a Variant of Uncertain Significance.